The following is an entry in ClinVar:

ClinVar aggregate classification (germline): Uncertain significance (1 of 4 stars; one submission).

Conditions:
Hereditary cancer-predisposing syndrome. Also called: Neoplastic Syndromes, Hereditary; Tumor predisposition; Hereditary neoplastic syndrome; Hereditary Cancer Syndrome. Identifiers: Orphanet 140162, MedGen C0027672, MeSH D009386, MONDO:0015356.

Submission:

Ambry Genetics
Classification: Uncertain significance for Hereditary cancer-predisposing syndrome. Last evaluated: 2026-09-09. Review status: criteria provided, single submitter. Criteria: Ambry Variant Classification Scheme 2023. Collection method: clinical testing. Allele origin: germline.
Comment: The c.1027_1041del15 variant (also known as p.L343_K347del) is located in coding exon 6 of the FLCN gene. This variant results from an in-frame CTGCCAGTCTTCAAG deletion at nucleotide positions 1027 to 1041. This results in the in-frame deletion of LPVFK residues at codons 343 to 347. This amino acid region is not well conserved in available vertebrate species. In addition, the in silico prediction for this variant is inconclusive (Choi Y et al. PLoS ONE. 2012; 7(10):e46688). Based on the available evidence, the clinical significance of this variant remains unclear.

NM_144997.7(FLCN):c.1027_1041del (p.Leu343_Lys347del)

Gene: FLCN (folliculin; minus strand). Cytogenetic location: 17p11.2.
Variant type: Deletion.
Coding change: c.1027_1041del on transcript NM_144997.7 (MANE Select); coding-DNA positions 1027 to 1041, 15 bases deleted (CTGCCAGTCTTCAAG).
Protein change: p.Leu343_Lys347del.
Molecular consequence: inframe indel (on NM_144997.5).
Genome position (GRCh38, 1-based): chr17:17,219,040-17,219,054, CTTGAAGACTGGCAG deleted on the plus strand (CTGCCAGTCTTCAAG on the coding strand, the reverse complement: FLCN is on the minus strand); deleting any 15 consecutive bases within chr17:17,219,040-17,219,057 gives the same sequence; the c. name uses the placement nearest the transcript's 3' end. VCF-style (leftmost placement, unchanged base first): chr17-17219039-ACTTGAAGACTGGCAG-A. GRCh37 (hg19) VCF-style: chr17-17122353-ACTTGAAGACTGGCAG-A.
Other names: c.1081_1095del, p.Leu361_Lys365del (NM_001353229.2); c.1027_1041del, p.Leu343_Lys347del (NM_001353230.2, NM_001353231.2); c.1027_1041del15 (NM_144997.5).
Identifiers: ClinVar variation 5021880 (VCV005021880.1).